The following is an entry in ClinVar:

ClinVar aggregate classification (germline): Benign/Likely benign. Review status: criteria provided, multiple submitters, no conflicts (2 of 4 stars). 3 submissions from 3 submitters: Benign (1); Likely benign (2). Last evaluated 2026-09-22.

Conditions:
FLNB-related disorder. Also called: FLNB-related condition; FLNB-related disorders. Identifiers: MedGen CN381095.

Allele frequency attached by ClinVar (database versions not stated): gnomAD 0.00008 and 0.00027; TOPMed 0.00008; gnomAD exomes 0.00049 and 0.00079; ExAC 0.00095; 1000 Genomes Project 30x 0.00109; 1000 Genomes Project 0.00120.
gnomAD v4.1: 761 of 1,614,202 alleles (0.047%); highest among the groups gnomAD compares: South Asian, 0.6%; 10 homozygotes.

Submissions (3):

PreventionGenetics, part of Exact Sciences
Classification: Likely benign for FLNB-related condition. Last evaluated: 2026-09-22. Review status: criteria provided, single submitter. Criteria: ACMG Guidelines, 2015. Collection method: clinical testing. Allele origin: germline.
Comment: This variant is classified as likely benign based on ACMG/AMP sequence variant interpretation guidelines (Richards et al. 2015 PMID: 25741868, with internal and published modifications).

Labcorp Genetics (formerly Invitae), Labcorp
Classification: Benign. Last evaluated: 2026-01-21. Review status: criteria provided, single submitter. Criteria: Invitae Variant Classification Sherloc (09022015). Collection method: clinical testing. Allele origin: germline.

CeGaT Center for Human Genetics Tuebingen
Classification: Likely benign. Last evaluated: 2023-05-01. Review status: criteria provided, single submitter. Criteria: CeGaT Center For Human Genetics Tuebingen Variant Classification Criteria Version 2. Collection method: clinical testing. Allele origin: germline. Affected: yes. Observed: 4 variant alleles.
Comment: FLNB: BP4, BP7, BS2

NM_001457.4(FLNB):c.5220C>T (p.Asn1740=)

Gene: FLNB (filamin B; plus strand). Cytogenetic location: 3p14.3.
Variant type: single nucleotide variant.
Coding change: c.5220C>T on transcript NM_001457.4 (MANE Select); coding-DNA position 5220, C replaced by T.
Protein change: p.Asn1740=; no amino-acid change (asparagine 1740 retained).
Molecular consequence: synonymous variant.
Genome position (GRCh38, 1-based): chr3:58,142,688, C>T. VCF-style: chr3-58142688-C-T. GRCh37 (hg19) VCF-style: chr3-58128415-C-T.
Other names: c.5313C>T, p.Asn1771= (NM_001164317.2); c.5187C>T, p.Asn1729= (NM_001164318.2); c.5148C>T, p.Asn1716= (NM_001164319.2).
Identifiers: ClinVar variation 444607 (VCV000444607.52), dbSNP rs531970315, ClinGen allele CA2468996.